The following is an entry in ClinVar:

ClinVar aggregate classification (germline): Uncertain significance. Review status: criteria provided, multiple submitters, no conflicts (2 of 4 stars). 2 submissions from 2 submitters: Uncertain significance (2). Last evaluated 2026-04-06.

Conditions:
Inborn genetic diseases. Identifiers: MedGen C0950123, MeSH D030342.
Diamond-Blackfan anemia. Also called: Blackfan Diamond syndrome; Aregenerative anemia chronic congenital; Red cell aplasia, pure hereditary; Congenital hypoplastic anemia; Aase syndrome. Identifiers: Orphanet 124, MedGen C1260899, MeSH D029503, MONDO:0015253, HP:0004810.
GATA binding protein 1 related thrombocytopenia with dyserythropoiesis. Also called: GATA1-Related Cytopenia; GATA1-Related X-Linked Cytopenia. Identifiers: MedGen C1845837, MONDO:0100089.

gnomAD v4.1: 33 of 1,202,579 alleles (0.0027%); highest among the groups gnomAD compares: Non-Finnish European, 0.0033%; no homozygotes.

Submissions (2):

Ambry Genetics
Classification: Uncertain significance for Inborn genetic diseases. Last evaluated: 2026-04-06. Review status: criteria provided, single submitter. Criteria: Ambry Variant Classification Scheme 2023. Collection method: clinical testing. Allele origin: germline.

Labcorp Genetics (formerly Invitae), Labcorp
Classification: Uncertain significance for GATA binding protein 1 related thrombocytopenia with dyserythropoiesis; Diamond-Blackfan anemia. Last evaluated: 2025-06-15. Review status: criteria provided, single submitter. Criteria: Invitae Variant Classification Sherloc (09022015). Collection method: clinical testing. Allele origin: germline.
Comment: This sequence change replaces phenylalanine, which is neutral and non-polar, with valine, which is neutral and non-polar, at codon 3 of the GATA1 protein (p.Phe3Val). This variant is not present in population databases (gnomAD no frequency). This variant has not been reported in the literature in individuals affected with GATA1-related conditions. Invitae Evidence Modeling of protein sequence and biophysical properties (such as structural, functional, and spatial information, amino acid conservation, physicochemical variation, residue mobility, and thermodynamic stability) indicates that this missense variant is not expected to disrupt GATA1 protein function with a negative predictive value of 95%. In summary, the available evidence is currently insufficient to determine the role of this variant in disease. Therefore, it has been classified as a Variant of Uncertain Significance.

NM_002049.4(GATA1):c.7T>G (p.Phe3Val)

Gene: GATA1 (GATA binding protein 1; plus strand). Cytogenetic location: Xp11.23.
Variant type: single nucleotide variant.
Coding change: c.7T>G on transcript NM_002049.4 (MANE Select); coding-DNA position 7, T replaced by G.
Protein change: p.Phe3Val; replaces phenylalanine 3 with valine.
Molecular consequence: missense variant.
Genome position (GRCh38, 1-based): chrX:48,791,116, T>G. VCF-style: chrX-48791116-T-G. GRCh37 (hg19) VCF-style: chrX-48649523-T-G.
Other names: short protein forms F3V.
Identifiers: ClinVar variation 4789857 (VCV004789857.2).